The following is an entry in ClinVar:

NM_001853.4(COL9A3):c.1657A>C (p.Ile553Leu)

Gene: COL9A3 (collagen type IX alpha 3 chain; plus strand). Cytogenetic location: 20q13.33.
Variant type: single nucleotide variant.
Coding change: c.1657A>C on transcript NM_001853.4 (MANE Select); coding-DNA position 1657, A replaced by C.
Protein change: p.Ile553Leu; replaces isoleucine 553 with leucine.
Molecular consequence: missense variant.
Genome position (GRCh38, 1-based): chr20:62,837,136, A>C. VCF-style: chr20-62837136-A-C. GRCh37 (hg19) VCF-style: chr20-61468488-A-C.
Other names: short protein forms I553L.
Identifiers: ClinVar variation 1426908 (VCV001426908.8), dbSNP rs749372066, ClinGen allele CA9950134.
Genomic context (GRCh38, chr20:62,837,136, plus strand): 5'-CCCAAAGAACAAATTGCACAGTTAGCCGCGCACCTAAGGAAGCCTTTGGCACCCGGGTCC[A>C]TTGGTCGGCCCGGTCCAGCTGGCCCCCCTGGGCCCCCAGGACCCCCAGGCTCCATTGGTC-3'
Protein context (NP_001844.3, residues 543-563): HLRKPLAPGS[Ile553Leu]GRPGPAGPPG

ClinVar aggregate classification (germline): Uncertain significance (1 of 4 stars; one submission).

Allele frequency attached by ClinVar (database versions not stated): ExAC 0.00001; gnomAD exomes 0.00002.
gnomAD v4.1: 87 of 1,613,386 alleles (0.0054%); highest among the groups gnomAD compares: Non-Finnish European, 0.0073%; no homozygotes.

Submission:

Labcorp Genetics (formerly Invitae), Labcorp
Classification: Uncertain significance. Last evaluated: 2025-07-03. Review status: criteria provided, single submitter. Criteria: Invitae Variant Classification Sherloc (09022015). Collection method: clinical testing. Allele origin: germline.
Comment: This sequence change replaces isoleucine, which is neutral and non-polar, with leucine, which is neutral and non-polar, at codon 553 of the COL9A3 protein (p.Ile553Leu). This variant is present in population databases (rs749372066, gnomAD 0.003%). This variant has not been reported in the literature in individuals affected with COL9A3-related conditions. ClinVar contains an entry for this variant (Variation ID: 1426908). Invitae Evidence Modeling of protein sequence and biophysical properties (such as structural, functional, and spatial information, amino acid conservation, physicochemical variation, residue mobility, and thermodynamic stability) indicates that this missense variant is not expected to disrupt COL9A3 protein function with a negative predictive value of 95%. In summary, the available evidence is currently insufficient to determine the role of this variant in disease. Therefore, it has been classified as a Variant of Uncertain Significance.